The following is an entry in ClinVar:

ClinVar aggregate classification (germline): Benign/Likely benign. Review status: criteria provided, multiple submitters, no conflicts (2 of 4 stars). 2 submissions from 2 submitters: Benign (1); Likely benign (1). Last evaluated 2020-12-21.

Allele frequency attached by ClinVar (database versions not stated): gnomAD exomes 0.33456; 1000 Genomes Project 0.34085; 1000 Genomes Project 30x 0.34463; gnomAD 0.37068 and 0.37538; TOPMed 0.38023.
gnomAD v4.1: 56,972 of 154,068 alleles (37%); highest among the groups gnomAD compares: African/African-American, 41%; 10,689 homozygotes.

Submissions (2):

GeneDx
Classification: Benign. Last evaluated: 2020-12-21. Review status: criteria provided, single submitter. Criteria: GeneDx Variant Classification Process June 2021. Collection method: clinical testing. Allele origin: germline. Affected: yes.
Comment: This variant is associated with the following publications: (PMID: 23751306)

Breakthrough Genomics
Classification: Likely benign. Review status: criteria provided, single submitter. Criteria: ACMG Guidelines, 2015. Collection method: not provided. Allele origin: germline. Inheritance: Autosomal recessive inheritance. Affected: yes.

NM_000230.3(LEP):c.-39G>A

Genes: LEP (leptin; plus strand), LOC106728418 (LEP 5' regulatory region; plus strand). Cytogenetic location: 7q32.1.
Variant type: single nucleotide variant.
Coding change: c.-39G>A on transcript NM_000230.3 (MANE Select); 39 bases upstream of the start codon, G replaced by A.
Molecular consequence: 5 prime UTR variant.
Genome position (GRCh38, 1-based): chr7:128,241,296, G>A. VCF-style: chr7-128241296-G-A. GRCh37 (hg19) VCF-style: chr7-127881349-G-A.
Identifiers: ClinVar variation 358814 (VCV000358814.8), dbSNP rs2167270, ClinGen allele CA10623183.